The following is an entry in ClinVar:

ClinVar aggregate classification (germline): Benign/Likely benign. Review status: criteria provided, multiple submitters, no conflicts (2 of 4 stars). 3 submissions from 3 submitters: Benign (1); Likely benign (2). Last evaluated 2026-01-31.

Allele frequency attached by ClinVar (database versions not stated): gnomAD exomes 0.00007 and 0.00020; ExAC 0.00029; TOPMed 0.00071; gnomAD 0.00074 and 0.00081; 1000 Genomes Project 30x 0.00078; 1000 Genomes Project 0.00100; ESP Exome Variant Server 0.00126.
gnomAD v4.1: 218 of 1,613,896 alleles (0.014%); highest among the groups gnomAD compares: African/African-American, 0.26%; no homozygotes.

Submissions (3):

Labcorp Genetics (formerly Invitae), Labcorp
Classification: Benign. Last evaluated: 2026-01-31. Review status: criteria provided, single submitter. Criteria: Invitae Variant Classification Sherloc (09022015). Collection method: clinical testing. Allele origin: germline.

CeGaT Center for Human Genetics Tuebingen
Classification: Likely benign. Last evaluated: 2025-10-01. Review status: criteria provided, single submitter. Criteria: CeGaT Center For Human Genetics Tuebingen Variant Classification Criteria Version 2. Collection method: clinical testing. Allele origin: germline. Affected: yes. Observed: 1 variant allele.
Comment: DOCK6: BP4, BP7

Blueprint Genetics
Classification: Likely benign. Last evaluated: 2023-09-14. Review status: criteria provided, single submitter. Criteria: ACMG Guidelines, 2015. Collection method: clinical testing. Allele origin: germline.

NM_020812.4(DOCK6):c.223C>T (p.Leu75=)

Gene: DOCK6 (dedicator of cytokinesis 6; minus strand). Cytogenetic location: 19p13.2.
Variant type: single nucleotide variant.
Coding change: c.223C>T on transcript NM_020812.4 (MANE Select); coding-DNA position 223, C replaced by T.
Protein change: p.Leu75=; no amino-acid change (leucine 75 retained).
Molecular consequence: synonymous variant.
Genome position (GRCh38, 1-based): chr19:11,252,868, G>A on the plus strand (C>T on the coding strand, the complement: DOCK6 is on the minus strand). VCF-style: chr19-11252868-G-A. GRCh37 (hg19) VCF-style: chr19-11363544-G-A.
Other names: c.223C>T, p.Leu75= (NM_001367830.1).
Identifiers: ClinVar variation 785610 (VCV000785610.16), dbSNP rs34909412, ClinGen allele CA9208591.